The following is an entry in ClinVar:

ClinVar aggregate classification (germline): Likely benign. Review status: criteria provided, multiple submitters, no conflicts (2 of 4 stars). 3 submissions from 3 submitters: Likely benign (3). Last evaluated 2026-02-01.

Conditions:
PLEC-related disorder. Also called: PLEC-related disorders; PLEC-related condition.
Autosomal recessive limb-girdle muscular dystrophy type 2Q (LGMDR17). Also called: MUSCULAR DYSTROPHY, LIMB-GIRDLE, AUTOSOMAL RECESSIVE 17. Identifiers: Orphanet 254361, MedGen C3150989, MONDO:0013390, OMIM 613723.
Epidermolysis bullosa simplex 5B, with muscular dystrophy (EBS5B). Also called: EPIDERMOLYSIS BULLOSA SIMPLEX AND LIMB-GIRDLE MUSCULAR DYSTROPHY; Epidermolysis bullosa simplex with muscular dystrophy. Identifiers: Orphanet 257, MedGen C2931072, MONDO:0009181, OMIM 226670.
Epidermolysis bullosa simplex, Ogna type (EBS5A). Also called: Pidermolysis bullosa simplex 5A, Ogna type; EPIDERMOLYSIS BULLOSA SIMPLEX 5A, OGNA TYPE. Identifiers: Orphanet 79401, MedGen C0432317, MONDO:0007555, OMIM 131950.
Epidermolysis bullosa simplex 5C, with pyloric atresia (EBS5C). Also called: PLEC1-Related Epidermolysis Bullosa with Pyloric Atresia; PLEC-Related Epidermolysis Bullosa with Pyloric Atresia; Epidermolysis bullosa simplex with pyloric atresia. Identifiers: Orphanet 158684, MedGen C2677349, MONDO:0012807, OMIM 612138.
Epidermolysis bullosa simplex with nail dystrophy (EBS5D). Identifiers: MedGen C4225309, MONDO:0014661, OMIM 616487.

Allele frequency attached by ClinVar (database versions not stated): 1000 Genomes Project 30x 0.00094; gnomAD exomes 0.00006 and 0.00017; ExAC 0.00016; ESP Exome Variant Server 0.00054; gnomAD 0.00070 and 0.00076; 1000 Genomes Project 0.00080; TOPMed 0.00091.
gnomAD v4.1: 198 of 1,613,828 alleles (0.012%); highest among the groups gnomAD compares: African/African-American, 0.21%; 1 homozygote.

Submissions (5):

Labcorp Genetics (formerly Invitae), Labcorp
Classification: Likely benign for Autosomal recessive limb-girdle muscular dystrophy type 2Q; Epidermolysis bullosa simplex, Ogna type; Epidermolysis bullosa simplex with nail dystrophy; Epidermolysis bullosa simplex 5C, with pyloric atresia; Epidermolysis bullosa simplex 5B, with muscular dystrophy. Last evaluated: 2026-02-01. Review status: criteria provided, single submitter. Criteria: Invitae Variant Classification Sherloc (09022015). Collection method: clinical testing. Allele origin: germline.

PreventionGenetics, part of Exact Sciences
Classification: Likely benign for PLEC-related condition. Last evaluated: 2026-01-09. Review status: criteria provided, single submitter. Criteria: ACMG Guidelines, 2015. Collection method: clinical testing. Allele origin: germline.
Comment: This variant is classified as likely benign based on ACMG/AMP sequence variant interpretation guidelines (Richards et al. 2015 PMID: 25741868, with internal and published modifications).

Blueprint Genetics
Classification: Likely benign. Last evaluated: 2023-03-01. Review status: criteria provided, single submitter. Criteria: ACMG Guidelines, 2015. Collection method: clinical testing. Allele origin: germline.

Dr. Peter K. Rogan Lab, Western University
No classification provided (evidence only). Condition: Clear cell carcinoma of kidney. Review status: no classification provided. Collection method: in vitro. Allele origin: not applicable. Functional consequence: retained intron. Not counted in ClinVar's aggregate classification.

Dr. Peter K. Rogan Lab, Western University
No classification provided (evidence only). Condition: Acute myeloid leukemia. Review status: no classification provided. Collection method: in vitro. Allele origin: not applicable. Functional consequence: retained intron. Not counted in ClinVar's aggregate classification.

NM_201384.3(PLEC):c.4014C>T (p.Ser1338=)

Gene: PLEC (plectin; minus strand). Cytogenetic location: 8q24.3.
Variant type: single nucleotide variant.
Coding change: c.4014C>T on transcript NM_201384.3 (MANE Select); coding-DNA position 4014, C replaced by T.
Protein change: p.Ser1338=; no amino-acid change (serine 1338 retained).
Molecular consequence: synonymous variant.
Genome position (GRCh38, 1-based): chr8:143,926,814, G>A on the plus strand (C>T on the coding strand, the complement: PLEC is on the minus strand). VCF-style: chr8-143926814-G-A. GRCh37 (hg19) VCF-style: chr8-145000982-G-A.
Other names: c.4014C>T, p.Ser1338= (NM_201382.4); c.4026C>T, p.Ser1342= (NM_201383.3); c.4095C>T, p.Ser1365= (NM_000445.5); c.3972C>T, p.Ser1324= (NM_201378.4); c.3948C>T, p.Ser1316= (NM_201379.3); c.4425C>T, p.Ser1475= (NM_201380.4); c.3918C>T, p.Ser1306= (NM_201381.3).
Identifiers: ClinVar variation 539024 (VCV000539024.14), dbSNP rs145555539, ClinGen allele CA4926810.
Genomic context (GRCh38, chr8:143,926,814, plus strand): 5'-TCTGCCCAGCCTCCGCCCAACGGGCTGTACCTCCTCCTCCTCCATGCGCCGCAGAGTCTC[G>A]CTGATGAACTTGATGTACTGGCTCGTCAGTGTGGTCAGCTCGCTGTAGTGCGTACGCAGG-3'
Protein context (NP_958786.1, residues 1328-1348): TLTSQYIKFI[Ser1338=]ETLRRMEEEE